The following is an entry in ClinVar:

NM_001077350.3(NPRL3):c.629+6A>T

Genes: HBA-LCR (alpha-globin locus control region; plus strand), NPRL3 (NPR3 like, GATOR1 complex subunit; minus strand). Cytogenetic location: 16p13.3.
Variant type: single nucleotide variant.
Coding change: c.629+6A>T on transcript NM_001077350.3 (MANE Select); 6 bases into the intron after coding-DNA position 629, A replaced by T.
Molecular consequence: intron variant.
Genome position (GRCh38, 1-based): chr16:110,519, T>A on the plus strand (A>T on the coding strand, the complement: NPRL3 is on the minus strand). VCF-style: chr16-110519-T-A. GRCh37 (hg19) VCF-style: chr16-160517-T-A.
Other names: c.395+6A>T (NM_001243247.2); c.554+6A>T (NM_001243248.2, NM_001243249.2); c.92+6A>T (NM_001039476.3).
Identifiers: ClinVar variation 4813541 (VCV004813541.1).
Genomic context (GRCh38, chr16:110,519, plus strand): 5'-TGCTCCTCAGGCCCAGGCAGGCTGGCCCATAAGAAGGAGGTTAATAAGCACACCCACCTG[T>A]CTTACCTGTCATAAGCTTCCTTGAGGTCCCTGGCCAGCTTGCACTTGGGCAGGATGTGAT-3'

ClinVar aggregate classification (germline): Uncertain significance (1 of 4 stars; one submission).

Conditions:
Epilepsy, familial focal, with variable foci 3 (FFEVF3). Identifiers: MedGen C4310708, MONDO:0014925, OMIM 617118.

Submission:

Mendelics
Classification: Uncertain significance for Epilepsy, familial focal, with variable foci 3. Last evaluated: 2026-03-05. Review status: criteria provided, single submitter. Criteria: ACMG Guidelines, 2015. Collection method: clinical testing. Allele origin: unknown.
Comment: The available evidence is insufficient to conclusively determine the role of this variant. Therefore, it is classified as a Variant of Uncertain Significance.